The following is an entry in ClinVar:

ClinVar aggregate classification (germline): Uncertain significance. Review status: criteria provided, multiple submitters, no conflicts (2 of 4 stars). 2 submissions from 2 submitters: Uncertain significance (2). Last evaluated 2024-03-07.

Conditions:
Hereditary cancer-predisposing syndrome. Also called: Neoplastic Syndromes, Hereditary; Tumor predisposition; Hereditary Cancer Syndrome; Hereditary neoplastic syndrome. Identifiers: Orphanet 140162, MedGen C0027672, MeSH D009386, MONDO:0015356.

Submissions (2):

Color Diagnostics, LLC DBA Color Health
Classification: Uncertain significance for Hereditary cancer-predisposing syndrome. Last evaluated: 2024-03-07. Review status: criteria provided, single submitter. Criteria: ACMG Guidelines, 2015. Collection method: clinical testing. Allele origin: germline.
Comment: This missense variant replaces serine with leucine at codon 1026 of the BRIP1 protein. Computational prediction suggests that this variant may not impact protein structure and function (internally defined REVEL score threshold <= 0.5, PMID: 27666373). To our knowledge, functional studies have not been reported for this variant. This variant has not been reported in individuals affected with hereditary cancer in the literature. This variant has not been identified in the general population by the Genome Aggregation Database (gnomAD). The available evidence is insufficient to determine the role of this variant in disease conclusively. Therefore, this variant is classified as a Variant of Uncertain Significance.

Ambry Genetics
Classification: Uncertain significance for Hereditary cancer-predisposing syndrome. Last evaluated: 2023-10-05. Review status: criteria provided, single submitter. Criteria: Ambry Variant Classification Scheme 2023. Collection method: clinical testing. Allele origin: germline.
Comment: The p.S1026L variant (also known as c.3077C>T), located in coding exon 19 of the BRIP1 gene, results from a C to T substitution at nucleotide position 3077. The serine at codon 1026 is replaced by leucine, an amino acid with dissimilar properties. This amino acid position is conserved. In addition, this alteration is predicted to be tolerated by in silico analysis. Since supporting evidence is limited at this time, the clinical significance of this alteration remains unclear.

NM_032043.3(BRIP1):c.3077C>T (p.Ser1026Leu)

Gene: BRIP1 (BRCA1 interacting DNA helicase 1; minus strand). Cytogenetic location: 17q23.2.
Variant type: single nucleotide variant.
Coding change: c.3077C>T on transcript NM_032043.3 (MANE Select); coding-DNA position 3077, C replaced by T.
Protein change: p.Ser1026Leu; replaces serine 1026 with leucine.
Molecular consequence: missense variant.
Genome position (GRCh38, 1-based): chr17:61,683,969, G>A on the plus strand (C>T on the coding strand, the complement: BRIP1 is on the minus strand). VCF-style: chr17-61683969-G-A. GRCh37 (hg19) VCF-style: chr17-59761330-G-A.
Other names: short protein forms S1026L.
Identifiers: ClinVar variation 926728 (VCV000926728.5), dbSNP rs2061320985, ClinGen allele CA400479844.